The following is an entry in ClinVar:

NM_001329943.3(KIAA0586):c.668G>A (p.Arg223His)

Gene: KIAA0586 (KIAA0586; plus strand). Cytogenetic location: 14q23.1.
Variant type: single nucleotide variant.
Coding change: c.668G>A on transcript NM_001329943.3 (MANE Select); coding-DNA position 668, G replaced by A.
Protein change: p.Arg223His; replaces arginine 223 with histidine.
Molecular consequence: missense variant.
Genome position (GRCh38, 1-based): chr14:58,444,036, G>A. VCF-style: chr14-58444036-G-A. GRCh37 (hg19) VCF-style: chr14-58910754-G-A.
Other names: c.827G>A, p.Arg276His (NM_001244189.2); c.623G>A, p.Arg208His (NM_001244190.2); c.413G>A, p.Arg138His (NM_001244191.2, NM_001329945.2, NM_001364700.1 and 1 more transcripts); c.536G>A, p.Arg179His (NM_001244192.2); c.248G>A, p.Arg83His (NM_001244193.2); c.668G>A, p.Arg223His (NM_001329944.2, NM_001329946.2, NM_001329947.2 and 1 more transcripts); c.668G>A (NM_014749.3); short protein forms R138H, R179H, R208H, R223H, R276H, R83H.
Identifiers: ClinVar variation 1214094 (VCV001214094.10), dbSNP rs779062959, ClinGen allele CA7205449.

ClinVar aggregate classification (germline): Uncertain significance. Review status: criteria provided, multiple submitters, no conflicts (2 of 4 stars). 3 submissions from 3 submitters: Uncertain significance (3). Last evaluated 2025-09-01.

Conditions:
Inborn genetic diseases. Identifiers: MedGen C0950123, MeSH D030342.
Joubert syndrome 23 (JBTS23). Identifiers: Orphanet 475, MedGen C4084822, MONDO:0014664, OMIM 616490.
Short-rib thoracic dysplasia 14 with polydactyly (SRTD14). Identifiers: Orphanet 397715, MedGen C4225286, MONDO:0014688, OMIM 616546.

Allele frequency attached by ClinVar (database versions not stated): gnomAD exomes 0.00003 and 0.00001; TOPMed 0.00001; ExAC 0.00003; gnomAD 0.00001.
gnomAD v4.1: 29 of 1,612,162 alleles (0.0018%); highest among the groups gnomAD compares: East Asian, 0.0089%; no homozygotes.

Submissions (3):

Ambry Genetics
Classification: Uncertain significance for Inborn genetic diseases. Last evaluated: 2025-09-01. Review status: criteria provided, single submitter. Criteria: Ambry Variant Classification Scheme 2023. Collection method: clinical testing. Allele origin: germline.

GeneDx
Classification: Uncertain significance. Last evaluated: 2025-06-24. Review status: criteria provided, single submitter. Criteria: GeneDx Variant Classification Process June 2021. Collection method: clinical testing. Allele origin: germline. Affected: yes.
Comment: In silico analysis supports that this missense variant has a deleterious effect on protein structure/function; Has not been previously published as pathogenic or benign to our knowledge

Labcorp Genetics (formerly Invitae), Labcorp
Classification: Uncertain significance for Joubert syndrome 23; Short-rib thoracic dysplasia 14 with polydactyly. Last evaluated: 2025-03-17. Review status: criteria provided, single submitter. Criteria: Invitae Variant Classification Sherloc (09022015). Collection method: clinical testing. Allele origin: germline.
Comment: This sequence change replaces arginine, which is basic and polar, with histidine, which is basic and polar, at codon 276 of the KIAA0586 protein (p.Arg276His). This variant is present in population databases (rs779062959, gnomAD 0.02%). This variant has not been reported in the literature in individuals affected with KIAA0586-related conditions. ClinVar contains an entry for this variant (Variation ID: 1214094). Invitae Evidence Modeling of protein sequence and biophysical properties (such as structural, functional, and spatial information, amino acid conservation, physicochemical variation, residue mobility, and thermodynamic stability) indicates that this missense variant is not expected to disrupt KIAA0586 protein function with a negative predictive value of 80%. In summary, the available evidence is currently insufficient to determine the role of this variant in disease. Therefore, it has been classified as a Variant of Uncertain Significance.